The following is an entry in ClinVar:

NM_001330588.2(TPP2):c.2449C>G (p.Arg817Gly)

Gene: TPP2 (tripeptidyl peptidase 2; plus strand). Cytogenetic location: 13q33.1.
Variant type: single nucleotide variant.
Coding change: c.2449C>G on transcript NM_001330588.2 (MANE Select); coding-DNA position 2449, C replaced by G.
Protein change: p.Arg817Gly; replaces arginine 817 with glycine.
Molecular consequence: missense variant. On other transcripts: non-coding transcript variant (1).
Genome position (GRCh38, 1-based): chr13:102,646,349, C>G. VCF-style: chr13-102646349-C-G. GRCh37 (hg19) VCF-style: chr13-103298699-C-G.
Other names: c.2449C>G, p.Arg817Gly (NM_001367947.1, NM_003291.4); short protein forms R817G.
Identifiers: ClinVar variation 1993659 (VCV001993659.2), dbSNP rs544867999, ClinGen allele CA388498780.

ClinVar aggregate classification (germline): Uncertain significance (1 of 4 stars; one submission).

Conditions:
Evans syndrome, immunodeficiency, and premature immunosenescence associated with tripeptidyl-peptidase II deficiency. Identifiers: MedGen CN231723. Disease mechanism: loss of function.

gnomAD v4.1: 2 of 1,612,966 alleles (0.00012%); highest among the groups gnomAD compares: Non-Finnish European, 0.00017%; no homozygotes.

Submission:

Labcorp Genetics (formerly Invitae), Labcorp
Classification: Uncertain significance for Evans syndrome, immunodeficiency, and premature immunosenescence associated with tripeptidyl-peptidase II deficiency. Last evaluated: 2022-05-12. Review status: criteria provided, single submitter. Criteria: Invitae Variant Classification Sherloc (09022015). Collection method: clinical testing. Allele origin: germline.
Comment: This sequence change replaces arginine, which is basic and polar, with glycine, which is neutral and non-polar, at codon 817 of the TPP2 protein (p.Arg817Gly). This variant is not present in population databases (gnomAD no frequency). This variant has not been reported in the literature in individuals affected with TPP2-related conditions. Algorithms developed to predict the effect of missense changes on protein structure and function (SIFT, PolyPhen-2, Align-GVGD) all suggest that this variant is likely to be tolerated. In summary, the available evidence is currently insufficient to determine the role of this variant in disease. Therefore, it has been classified as a Variant of Uncertain Significance.